The following is an entry in ClinVar:

ClinVar aggregate classification (germline): Uncertain significance (1 of 4 stars; one submission).

Conditions:
Hereditary thrombocytopenia and hematological cancer predisposition syndrome associated with RUNX1. Also called: Familial Platelet Disorder with Propensity to Acute Myelogenous Leukemia; Familial thrombocytopenia with propensity to acute myelogenous leukemia; PLATELET DISORDER, ASPIRIN-LIKE; RUNX1 Familial Platelet Disorder with Associated Myeloid Malignancies. Identifiers: Orphanet 71290, MedGen C1832388, MeSH C563324, MONDO:0100083, OMIM 601399.

Submission:

Labcorp Genetics (formerly Invitae), Labcorp
Classification: Uncertain significance for Hereditary thrombocytopenia and hematological cancer predisposition syndrome associated with RUNX1. Last evaluated: 2025-03-05. Review status: criteria provided, single submitter. Criteria: Invitae Variant Classification Sherloc (09022015). Collection method: clinical testing. Allele origin: germline.
Comment: This sequence change replaces tyrosine, which is neutral and polar, with serine, which is neutral and polar, at codon 380 of the RUNX1 protein (p.Tyr380Ser). This variant is not present in population databases (gnomAD no frequency). This variant has not been reported in the literature in individuals affected with RUNX1-related conditions. Invitae Evidence Modeling of protein sequence and biophysical properties (such as structural, functional, and spatial information, amino acid conservation, physicochemical variation, residue mobility, and thermodynamic stability) has been performed for this missense variant. However, the output from this modeling did not meet the statistical confidence thresholds required to predict the impact of this variant on RUNX1 protein function. In summary, the available evidence is currently insufficient to determine the role of this variant in disease. Therefore, it has been classified as a Variant of Uncertain Significance.

NM_001754.5(RUNX1):c.1139A>C (p.Tyr380Ser)

Gene: RUNX1 (RUNX family transcription factor 1; minus strand). Cytogenetic location: 21q22.12.
Variant type: single nucleotide variant.
Coding change: c.1139A>C on transcript NM_001754.5 (MANE Select); coding-DNA position 1139, A replaced by C.
Protein change: p.Tyr380Ser; replaces tyrosine 380 with serine.
Molecular consequence: missense variant.
Genome position (GRCh38, 1-based): chr21:34,792,439, T>G on the plus strand (A>C on the coding strand, the complement: RUNX1 is on the minus strand). VCF-style: chr21-34792439-T-G. GRCh37 (hg19) VCF-style: chr21-36164736-T-G.
Other names: c.1058A>C, p.Tyr353Ser (NM_001001890.3); short protein forms Y353S, Y380S.
Identifiers: ClinVar variation 4748819 (VCV004748819.1).